The following is an entry in ClinVar:

ClinVar aggregate classification (germline): Uncertain significance. Review status: criteria provided, multiple submitters, no conflicts (2 of 4 stars). 3 submissions from 3 submitters: Uncertain significance (3). Last evaluated 2025-06-20.

Conditions:
Amyotrophic lateral sclerosis-parkinsonism-dementia complex. Also called: AMYOTROPHIC LATERAL SCLEROSIS-PARKINSONISM/DEMENTIA COMPLEX 1; GUAM DISEASE. Identifiers: Orphanet 90020, MedGen C0543859, MONDO:0007104, OMIM 105500.

gnomAD v4.1: 38 of 1,611,762 alleles (0.0024%); highest among the groups gnomAD compares: East Asian, 0.022%; no homozygotes.

Submissions (3):

Dasa
Classification: Uncertain significance. Last evaluated: 2025-06-20. Review status: criteria provided, single submitter. Criteria: DASA Assertion Criteria. Collection method: clinical testing. Allele origin: germline.
Comment: NM_017672.6(TRPM7):c.2525C>T (p.Thr842Met) is a missense variant that results in the substitution of threonine with methionine. Published studies describe this variant in association with related phenotype (PMID: 30090657). Also, this variant is rare in population databases. Computational prediction algorithms are consistent with a benign effect. The currently available literature and clinical evidence are not sufficient to establish a definitive association between this variant and the reported condition. Therefore, this variant is classified as a variant of uncertain significance.

Women's Health and Genetics/Laboratory Corporation of America, LabCorp
Classification: Uncertain significance. Last evaluated: 2024-11-27. Review status: criteria provided, single submitter. Criteria: LabCorp Variant Classification Summary - May 2015. Collection method: clinical testing. Allele origin: germline.
Comment: Variant summary: TRPM7 c.2525C>T (p.Thr842Met) results in a non-conservative amino acid change in the encoded protein sequence. Three of five in-silico tools predict a damaging effect of the variant on protein function. The variant allele was found at a frequency of 4.8e-05 in 248192 control chromosomes (gnomAD). c.2525C>T has been reported in the literature in individuals affected with clinical features of amyotrophic lateral sclerosis (examples: Hu_2024, Xu_2018). These report(s) do not provide unequivocal conclusions about association of the variant with amyotrophic lateral sclerosis-Parkinsonism complex. To our knowledge, no experimental evidence demonstrating an impact on protein function has been reported. The following publications have been ascertained in the context of this evaluation (PMID: 37952009, 30090657). No submitters have cited clinical-significance assessments for this variant to ClinVar. Based on the evidence outlined above, the variant was classified as uncertain significance.

Fulgent Genetics
Classification: Uncertain significance for Amyotrophic lateral sclerosis-parkinsonism-dementia complex. Last evaluated: 2024-04-08. Review status: criteria provided, single submitter. Criteria: ACMG Guidelines, 2015. Collection method: clinical testing. Allele origin: germline.

Literature cited by the submitters: PubMed 30090657 (cited by Dasa and Women's Health and Genetics/Laboratory Corporation of America, LabCorp); PubMed 37952009 (cited by Women's Health and Genetics/Laboratory Corporation of America, LabCorp).

NM_017672.6(TRPM7):c.2525C>T (p.Thr842Met)

Gene: TRPM7 (transient receptor potential cation channel subfamily M member 7; minus strand). Cytogenetic location: 15q21.2.
Variant type: single nucleotide variant.
Coding change: c.2525C>T on transcript NM_017672.6 (MANE Select); coding-DNA position 2525, C replaced by T.
Protein change: p.Thr842Met; replaces threonine 842 with methionine.
Molecular consequence: missense variant. On other transcripts: non-coding transcript variant (3).
Genome position (GRCh38, 1-based): chr15:50,609,636, G>A on the plus strand (C>T on the coding strand, the complement: TRPM7 is on the minus strand). VCF-style: chr15-50609636-G-A. GRCh37 (hg19) VCF-style: chr15-50901833-G-A.
Other names: c.2525C>T, p.Thr842Met (NM_001301212.2); short protein forms T842M.
Identifiers: ClinVar variation 3577350 (VCV003577350.5).